The following is an entry in ClinVar:

NM_015662.3(IFT172):c.3341A>T (p.Glu1114Val)

Gene: IFT172 (intraflagellar transport 172; minus strand). Cytogenetic location: 2p23.3.
Variant type: single nucleotide variant.
Coding change: c.3341A>T on transcript NM_015662.3 (MANE Select); coding-DNA position 3341, A replaced by T.
Protein change: p.Glu1114Val; replaces glutamic acid 1114 with valine.
Molecular consequence: missense variant.
Genome position (GRCh38, 1-based): chr2:27,456,541, T>A on the plus strand (A>T on the coding strand, the complement: IFT172 is on the minus strand). VCF-style: chr2-27456541-T-A. GRCh37 (hg19) VCF-style: chr2-27679408-T-A.
Other names: c.3275A>T, p.Glu1092Val (NM_001410739.1); short protein forms E1092V, E1114V.
Identifiers: ClinVar variation 1932140 (VCV001932140.6), dbSNP rs746036739, ClinGen allele CA1580028.
Genomic context (GRCh38, chr2:27,456,541, plus strand): 5'-GGCCCGTGGAGAGAAAGCTTGGGGCCTCACCAATTGTCTGCAGCGTGGTCAACAGCAGCT[T>A]CCAGGAGTCCCAGCTTATTAAGCAGTCTAACTGCAGCCTCTCCTCCCAGGCTCTTTGCCC-3'
Protein context (NP_056477.1, residues 1104-1124): VRLLNKLGLL[Glu1114Val]AAVDHAADNC

ClinVar aggregate classification (germline): Uncertain significance. Review status: criteria provided, multiple submitters, no conflicts (2 of 4 stars). 2 submissions from 2 submitters: Uncertain significance (2). Last evaluated 2023-02-08.

Conditions:
Short-rib thoracic dysplasia 10 with or without polydactyly (SRTD10). Identifiers: Orphanet 474, MedGen C3810175, MONDO:0014284, OMIM 615630.
Retinitis pigmentosa 71 (RP71). Identifiers: Orphanet 791, MedGen C4225342, MONDO:0014618, OMIM 616394.

Allele frequency attached by ClinVar (database versions not stated): gnomAD 0.00001; TOPMed 0.00001.
gnomAD v4.1: 12 of 1,614,042 alleles (0.00074%); highest among the groups gnomAD compares: Middle Eastern, 0.017%; no homozygotes.

Submissions (2):

Blueprint Genetics
Classification: Uncertain significance. Last evaluated: 2023-02-08. Review status: criteria provided, single submitter. Criteria: ACMG Guidelines, 2015. Collection method: clinical testing. Allele origin: germline.

Labcorp Genetics (formerly Invitae), Labcorp
Classification: Uncertain significance for Retinitis pigmentosa 71; Short-rib thoracic dysplasia 10 with or without polydactyly. Last evaluated: 2022-04-08. Review status: criteria provided, single submitter. Criteria: Invitae Variant Classification Sherloc (09022015). Collection method: clinical testing. Allele origin: germline.
Comment: Algorithms developed to predict the effect of missense changes on protein structure and function are either unavailable or do not agree on the potential impact of this missense change (SIFT: "Deleterious"; PolyPhen-2: "Probably Damaging"; Align-GVGD: "Class C0"). This variant has not been reported in the literature in individuals affected with IFT172-related conditions. This variant is present in population databases (rs746036739, gnomAD 0.009%). This sequence change replaces glutamic acid, which is acidic and polar, with valine, which is neutral and non-polar, at codon 1114 of the IFT172 protein (p.Glu1114Val). In summary, the available evidence is currently insufficient to determine the role of this variant in disease. Therefore, it has been classified as a Variant of Uncertain Significance. Algorithms developed to predict the effect of sequence changes on RNA splicing suggest that this variant may disrupt the consensus splice site.